The following is an entry in ClinVar:

ClinVar aggregate classification (germline): Uncertain significance (1 of 4 stars; one submission).

Conditions:
Hereditary cancer-predisposing syndrome. Also called: Tumor predisposition; Hereditary Cancer Syndrome; Hereditary neoplastic syndrome; Neoplastic Syndromes, Hereditary. Identifiers: Orphanet 140162, MedGen C0027672, MeSH D009386, MONDO:0015356.

Submission:

Labcorp Genetics (formerly Invitae), Labcorp
Classification: Uncertain significance for Hereditary cancer-predisposing syndrome. Last evaluated: 2021-01-08. Review status: criteria provided, single submitter. Criteria: Invitae Variant Classification Sherloc (09022015). Collection method: clinical testing. Allele origin: germline.
Comment: This sequence change replaces cysteine with glycine at codon 680 of the RAD50 protein (p.Cys680Gly). The cysteine residue is highly conserved and there is a large physicochemical difference between cysteine and glycine. This variant is not present in population databases (ExAC no frequency). This variant has not been reported in the literature in individuals with RAD50-related conditions. Algorithms developed to predict the effect of missense changes on protein structure and function are either unavailable or do not agree on the potential impact of this missense change (SIFT: "Tolerated"; PolyPhen-2: "Possibly Damaging"; Align-GVGD: "Class C0"). In summary, the available evidence is currently insufficient to determine the role of this variant in disease. Therefore, it has been classified as a Variant of Uncertain Significance.

NM_005732.4(RAD50):c.2038T>G (p.Cys680Gly)

Gene: RAD50 (RAD50 double strand break repair protein; plus strand). Cytogenetic location: 5q31.1.
Variant type: single nucleotide variant.
Coding change: c.2038T>G on transcript NM_005732.4 (MANE Select); coding-DNA position 2038, T replaced by G.
Protein change: p.Cys680Gly; replaces cysteine 680 with glycine.
Molecular consequence: missense variant.
Genome position (GRCh38, 1-based): chr5:132,595,641, T>G. VCF-style: chr5-132595641-T-G. GRCh37 (hg19) VCF-style: chr5-131931333-T-G.
Other names: short protein forms C680G.
Identifiers: ClinVar variation 1442182 (VCV001442182.8), dbSNP rs1554098678, ClinGen allele CA360949538.